The following is an entry in ClinVar:

NM_006231.4(POLE):c.5340del (p.Ser1781fs)

Gene: POLE (DNA polymerase epsilon, catalytic subunit; minus strand). Cytogenetic location: 12q24.33.
Variant type: Deletion.
Coding change: c.5340del on transcript NM_006231.4 (MANE Select); coding-DNA position 5340, one base deleted (C; older notation c.5340delC).
Protein change: p.Ser1781fs; shifts the reading frame from serine 1781.
Molecular consequence: frameshift variant.
Genome position (GRCh38, 1-based): chr12:132,641,685, G deleted on the plus strand (C on the coding strand, the reverse complement: POLE is on the minus strand); the first of 2 consecutive G bases (chr12:132,641,685-132,641,686); deleting either gives the same sequence. VCF-style (leftmost placement, unchanged base first): chr12-132641684-TG-T. GRCh37 (hg19) VCF-style: chr12-133218270-TG-T.
Other names: short protein forms S1781fs.
Identifiers: ClinVar variation 3935772 (VCV003935772.1).

ClinVar aggregate classification (germline): Uncertain significance (1 of 4 stars; one submission).

Conditions:
Hereditary cancer-predisposing syndrome. Also called: Tumor predisposition; Hereditary neoplastic syndrome; Hereditary Cancer Syndrome; Neoplastic Syndromes, Hereditary. Identifiers: Orphanet 140162, MedGen C0027672, MeSH D009386, MONDO:0015356.

Submission:

Ambry Genetics
Classification: Uncertain significance for Hereditary cancer-predisposing syndrome. Last evaluated: 2025-05-21. Review status: criteria provided, single submitter. Criteria: Ambry Variant Classification Scheme 2023. Collection method: clinical testing. Allele origin: germline.
Comment: The c.5340delC variant, located in coding exon 39 of the POLE gene, results from a deletion of one nucleotide at nucleotide position 5340, causing a translational frameshift with a predicted alternate stop codon (p.S1781Afs*15). This alteration is expected to result in loss of function by premature protein truncation or nonsense-mediated mRNA decay. Although biallelic loss of function of POLE has been associated with autosomal recessive POLE deficiency, haploinsufficiency of POLE has not been established as a mechanism of disease for POLE-related polymerase proofreading-associated polyposis (PPAP) and POLE-related CMMRD-like syndrome. Based on the supporting evidence, this variant is expected to be causative of POLE deficiency when present along with a second pathogenic variant on the other allele; however, its clinical significance for PPAP and POLE-related CMMRD-like syndrome is unclear.